The following is an entry in ClinVar:

ClinVar aggregate classification (germline): Pathogenic/Likely pathogenic. Review status: criteria provided, multiple submitters, no conflicts (2 of 4 stars). 2 submissions from 2 submitters: Pathogenic (1); Likely pathogenic (1). Last evaluated 2023-05-14.

Conditions:
LAMA2-related muscular dystrophy (LAMA2-RD). Also called: Laminin alpha 2-related dystrophy. Identifiers: MedGen C5679788, MONDO:0100228.

Submissions (2):

Labcorp Genetics (formerly Invitae), Labcorp
Classification: Pathogenic for LAMA2-related muscular dystrophy. Last evaluated: 2023-05-14. Review status: criteria provided, single submitter. Criteria: Invitae Variant Classification Sherloc (09022015). Collection method: clinical testing. Allele origin: germline.
Comment: For these reasons, this variant has been classified as Pathogenic. ClinVar contains an entry for this variant (Variation ID: 1324644). This variant has not been reported in the literature in individuals affected with LAMA2-related conditions. This variant is not present in population databases (gnomAD no frequency). This sequence change creates a premature translational stop signal (p.Thr2047Lysfs*23) in the LAMA2 gene. It is expected to result in an absent or disrupted protein product. Loss-of-function variants in LAMA2 are known to be pathogenic (PMID: 18700894, 32904964).

Revvity Omics, Revvity
Classification: Likely pathogenic. Last evaluated: 2021-04-01. Review status: criteria provided, single submitter. Criteria: ACMG Guidelines, 2015. Collection method: clinical testing. Allele origin: germline.

Literature cited by the submitters: PubMed 18700894 (cited by Labcorp Genetics (formerly Invitae), Labcorp); PubMed 32904964 (cited by Labcorp Genetics (formerly Invitae), Labcorp).

NM_000426.4(LAMA2):c.6129_6139dup (p.Thr2047fs)

Genes: LAMA2 (laminin subunit alpha 2; plus strand), LOC123864065 (Sharpr-MPRA regulatory region 661; plus strand). Cytogenetic location: 6q22.33.
Variant type: Duplication.
Coding change: c.6129_6139dup on transcript NM_000426.4 (MANE Select); coding-DNA positions 6129 to 6139, 11 bases duplicated (AGCCAACGACA).
Protein change: p.Thr2047fs; shifts the reading frame from threonine 2047.
Molecular consequence: frameshift variant.
Genome position (GRCh38, 1-based): chr6:129,440,859-129,440,869, AGCCAACGACA duplicated; duplicating any 11 consecutive bases within chr6:129,440,855-129,440,869 gives the same sequence; the c. name uses the placement nearest the transcript's 3' end. VCF-style (leftmost placement, unchanged base first): chr6-129440854-A-AGACAAGCCAAC. GRCh37 (hg19) VCF-style: chr6-129761999-A-AGACAAGCCAAC.
Other names: c.6129_6139dup, p.Thr2047fs (NM_001079823.2); short protein forms T2047fs.
Identifiers: ClinVar variation 1324644 (VCV001324644.9), dbSNP rs2114765447, ClinGen allele CA2573052583.
Genomic context (GRCh38, chr6:129,440,854, plus strand): 5'-TCATACCCTCATCTGCTGACAGATACAGCTGCTAAACTGCAAGCTGTTAAGGACAAAGCC[A>AGACAAGCCAAC]GACAAGCCAACGACACAGCTAAAGATGTACTGGCACAGATTACAGAGCTCCACCAGAACC-3'